The following is an entry in ClinVar:

NM_000020.3(ACVRL1):c.1378-216C>G

Gene: ACVRL1 (activin A receptor like type 1; plus strand). Cytogenetic location: 12q13.13.
Variant type: single nucleotide variant.
Coding change: c.1378-216C>G on transcript NM_000020.3 (MANE Select); 216 bases into the intron before coding-DNA position 1378, C replaced by G.
Molecular consequence: intron variant.
Genome position (GRCh38, 1-based): chr12:51,920,543, C>G. VCF-style: chr12-51920543-C-G. GRCh37 (hg19) VCF-style: chr12-52314327-C-G.
Other names: IVS9AS, C-G, -216; c.1378-216C>G (NM_001077401.2).
Identifiers: ClinVar variation 617664 (VCV000617664.10), dbSNP rs111710113, ClinGen allele CA913191252.

ClinVar aggregate classification (germline): Pathogenic. Review status: criteria provided, single submitter (1 of 4 stars). 2 submissions from 2 submitters: Pathogenic (1). 1 of the submissions does not count toward it. Last evaluated 2025-02-25.

Conditions:
Telangiectasia, hereditary hemorrhagic, type 2 (HHT2). Also called: ACVRL1-Related Hereditary Hemorrhagic Telangiectasia; Telangiectasia, hereditary hemorrhagic, type II. Identifiers: Orphanet 774, MedGen C1838163, MONDO:0010880, OMIM 600376. Disease mechanism: loss of function.

Submissions (2):

Labcorp Genetics (formerly Invitae), Labcorp
Classification: Pathogenic for Telangiectasia, hereditary hemorrhagic, type 2. Last evaluated: 2025-02-25. Review status: criteria provided, single submitter. Criteria: Invitae Variant Classification Sherloc (09022015). Collection method: clinical testing. Allele origin: germline.
Comment: This sequence change falls in intron 9 of the ACVRL1 gene. It does not directly change the encoded amino acid sequence of the ACVRL1 protein. This variant is not present in population databases (gnomAD no frequency). This variant has been observed in individual(s) with hereditary hemorrhagic telangiectasia (HHT) (PMID: 30244195). It has also been observed to segregate with disease in related individuals. ClinVar contains an entry for this variant (Variation ID: 617664). Algorithms developed to predict the effect of sequence changes on RNA splicing suggest that this variant is not likely to affect RNA splicing. For these reasons, this variant has been classified as Pathogenic.

OMIM
Classification: Pathogenic for TELANGIECTASIA, HEREDITARY HEMORRHAGIC, TYPE 2. Last evaluated: 2019-02-06. Review status: no assertion criteria provided. Collection method: literature only. Allele origin: germline. Not counted in ClinVar's aggregate classification.

Literature cited by the submitters: PubMed 30244195 (cited by Labcorp Genetics (formerly Invitae), Labcorp and OMIM).